The following is an entry in ClinVar:

NM_002303.6(LEPR):c.672dup (p.Pro225fs)

Gene: LEPR (leptin receptor; plus strand). Cytogenetic location: 1p31.3.
Variant type: Duplication.
Coding change: c.672dup on transcript NM_002303.6 (MANE Select); coding-DNA position 672, one base duplicated (A; older notation c.672dupA).
Protein change: p.Pro225fs; shifts the reading frame from proline 225.
Molecular consequence: frameshift variant.
Genome position (GRCh38, 1-based): chr1:65,592,834, A duplicated. VCF-style (leftmost placement, unchanged base first): chr1-65592833-C-CA. GRCh37 (hg19) VCF-style: chr1-66058516-C-CA.
Other names: c.672dup, p.Pro225fs (NM_001003679.3, NM_001003680.3, NM_001198687.2 and 2 more transcripts); c.672dupA (NM_002303.5); short protein forms P225fs.
Identifiers: ClinVar variation 4996250 (VCV004996250.1).

ClinVar aggregate classification (germline): Likely pathogenic (1 of 4 stars; one submission).

Conditions:
LEPR-related disorder. Also called: LEPR-related disorders; LEPR-related condition.

Submission:

PreventionGenetics, part of Exact Sciences
Classification: Likely pathogenic for LEPR-related condition. Last evaluated: 2026-05-06. Review status: criteria provided, single submitter. Criteria: ACMG Guidelines, 2015. Collection method: clinical testing. Allele origin: germline.
Comment: The LEPR c.672dupA variant is predicted to result in a frameshift and premature protein termination (p.Pro225Thrfs*14). To our knowledge, this variant has not been reported in the literature or in a large population database (gnomAD), indicating this variant is rare. Frameshift variants in LEPR are expected to be pathogenic. This variant is interpreted as likely pathogenic.